The following is an entry in ClinVar:

ClinVar aggregate classification (germline): Pathogenic (1 of 4 stars; one submission).

Conditions:
Congenital myasthenic syndrome 11. Also called: MYASTHENIC SYNDROME, CONGENITAL, Ie; Myasthenic syndrome, congenital, 11, associated with acetylcholine receptor deficiency. Identifiers: Orphanet 590, MedGen C4225367, MONDO:0014588, OMIM 616326.
Fetal akinesia deformation sequence 1 (FADS1). Also called: Pena-Shokeir syndrome type I; Fetal akinesia sequence. Identifiers: Orphanet 994, MedGen C1276035, MONDO:0100101, OMIM 208150, HP:0001989.

Submission:

Labcorp Genetics (formerly Invitae), Labcorp
Classification: Pathogenic for Congenital myasthenic syndrome 11; Fetal akinesia deformation sequence 1. Last evaluated: 2022-08-07. Review status: criteria provided, single submitter. Criteria: Invitae Variant Classification Sherloc (09022015). Collection method: clinical testing. Allele origin: germline.
Comment: This variant is a gross deletion of the genomic region encompassing exon(s) 7 of the RAPSN gene. While this deletion is not anticipated to lead to nonsense mediated decay, it is expected to disrupt the C-terminus of the protein. This variant has not been reported in the literature in individuals affected with RAPSN-related conditions. This variant disrupts a region of the RAPSN protein in which other variant(s) (p.Thr396Profs*12) have been determined to be pathogenic (PMID: 26782015, 29054425). This suggests that this is a clinically significant region of the protein, and that variants that disrupt it are likely to be disease-causing. For these reasons, this variant has been classified as Pathogenic.

Literature cited by the submitters: PubMed 26782015; PubMed 29054425.

NC_000011.9:g.(?_47460273)_(47460492_?)del

Gene: RAPSN (receptor associated protein of the synapse; minus strand). Cytogenetic location: 11p11.2.
Variant type: Deletion.
Identifiers: ClinVar variation 2425285 (VCV002425285.5).